The following is an entry in ClinVar:

ClinVar aggregate classification (germline): Uncertain significance. Review status: criteria provided, multiple submitters, no conflicts (2 of 4 stars). 3 submissions from 3 submitters: Uncertain significance (3). Last evaluated 2025-08-07.

Conditions:
Fanconi anemia (FA). Also called: Fanconi's anemia. Identifiers: Orphanet 84, MedGen C0015625, MeSH D005199, MONDO:0019391.
Fanconi anemia complementation group A (FANCA). Also called: Fanconi anemia, group A; FANCA-Related Fanconi Anemia. Identifiers: Orphanet 84, MedGen C3469521, MONDO:0009215, OMIM 227650.

Allele frequency attached by ClinVar (database versions not stated): TOPMed below 0.00001; gnomAD 0.00001; gnomAD exomes 0.00001.
gnomAD v4.1: 19 of 1,611,362 alleles (0.0012%); highest among the groups gnomAD compares: East Asian, 0.0045%; no homozygotes.

Submissions (3):

Myriad Genetics, Inc.
Classification: Uncertain significance for Fanconi anemia complementation group A. Last evaluated: 2025-08-07. Review status: criteria provided, single submitter. Criteria: Myriad Autosomal Dominant, Autosomal Recessive and X-Linked Classification Criteria (2023). Collection method: clinical testing. Allele origin: unknown.
Comment: NM_000135.2(FANCA):c.1840C>T(P614S) is a missense variant classified as a variant of uncertain significance in the context of Fanconi anemia complementation group A. P614S has not been observed in cases with relevant disease. Relevant functional assessments of this variant are not available in the literature. P614S has not been observed in referenced population frequency databases. In summary, there is insufficient evidence to classify NM_000135.2(FANCA):c.1840C>T(P614S) as pathogenic or benign. Please note: this variant was assessed in the context of healthy population screening.

Labcorp Genetics (formerly Invitae), Labcorp
Classification: Uncertain significance for Fanconi anemia. Last evaluated: 2023-08-02. Review status: criteria provided, single submitter. Criteria: Invitae Variant Classification Sherloc (09022015). Collection method: clinical testing. Allele origin: germline.
Comment: In summary, the available evidence is currently insufficient to determine the role of this variant in disease. Therefore, it has been classified as a Variant of Uncertain Significance. Advanced modeling of protein sequence and biophysical properties (such as structural, functional, and spatial information, amino acid conservation, physicochemical variation, residue mobility, and thermodynamic stability) performed at Invitae indicates that this missense variant is expected to disrupt FANCA protein function. This variant has not been reported in the literature in individuals affected with FANCA-related conditions. This variant is present in population databases (no rsID available, gnomAD 0.007%). This sequence change replaces proline, which is neutral and non-polar, with serine, which is neutral and polar, at codon 614 of the FANCA protein (p.Pro614Ser).

Blueprint Genetics
Classification: Uncertain significance. Last evaluated: 2023-07-03. Review status: criteria provided, single submitter. Criteria: ACMG Guidelines, 2015. Collection method: clinical testing. Allele origin: germline.

NM_000135.4(FANCA):c.1840C>T (p.Pro614Ser)

Gene: FANCA (FA complementation group A; minus strand). Cytogenetic location: 16q24.3.
Variant type: single nucleotide variant.
Coding change: c.1840C>T on transcript NM_000135.4 (MANE Select); coding-DNA position 1840, C replaced by T.
Protein change: p.Pro614Ser; replaces proline 614 with serine.
Molecular consequence: missense variant.
Genome position (GRCh38, 1-based): chr16:89,775,802, G>A on the plus strand (C>T on the coding strand, the complement: FANCA is on the minus strand). VCF-style: chr16-89775802-G-A. GRCh37 (hg19) VCF-style: chr16-89842210-G-A.
Other names: c.1840C>T, p.Pro614Ser (NM_001286167.3); short protein forms P614S.
Identifiers: ClinVar variation 2901823 (VCV002901823.3), dbSNP rs1248172249, ClinGen allele CA397452101.